The following is an entry in ClinVar:

ClinVar aggregate classification (germline): Uncertain significance (1 of 4 stars; one submission).

Submission:

GeneDx
Classification: Uncertain significance. Last evaluated: 2025-04-17. Review status: criteria provided, single submitter. Criteria: GeneDx Variant Classification Process June 2021. Collection method: clinical testing. Allele origin: germline. Affected: yes.
Comment: Not observed at significant frequency in large population cohorts (gnomAD); In silico analysis indicates that this missense variant does not alter protein structure/function; Has not been previously published as pathogenic or benign to our knowledge

NM_006421.5(ARFGEF1):c.1603T>A (p.Leu535Met)

Gene: ARFGEF1 (ARF guanine nucleotide exchange factor 1; minus strand). Cytogenetic location: 8q13.2.
Variant type: single nucleotide variant.
Coding change: c.1603T>A on transcript NM_006421.5 (MANE Select); coding-DNA position 1603, T replaced by A.
Protein change: p.Leu535Met; replaces leucine 535 with methionine.
Molecular consequence: missense variant. On other transcripts: non-coding transcript variant (1).
Genome position (GRCh38, 1-based): chr8:67,267,412, A>T on the plus strand (T>A on the coding strand, the complement: ARFGEF1 is on the minus strand). VCF-style: chr8-67267412-A-T. GRCh37 (hg19) VCF-style: chr8-68179647-A-T.
Other names: c.1603T>A, p.Leu535Met (NM_001413184.1, NM_001413185.1, NM_001413186.1 and 7 more transcripts); c.1003T>A, p.Leu335Met (NM_001413188.1, NM_001413193.1, NM_001413197.1); c.178T>A, p.Leu60Met (NM_001413196.1); short protein forms L335M, L535M, L60M.
Identifiers: ClinVar variation 4282040 (VCV004282040.1).
Genomic context (GRCh38, chr8:67,267,412, plus strand): 5'-TCCTCGTCAGTGTCTGAATAACCATCCATTTGTGATCAAATGAGCTGGTAGAAGTTTCCA[A>T]AATGTATAAGAAAATTTCTTTAAAGAACACCTGTGATTAGGAGAAAACTTCTGTTTAAAA-3'
Protein context (NP_006412.2, residues 525-545): VFFKEIFLYI[Leu535Met]ETSTSSFDHK